The following is an entry in ClinVar:

ClinVar aggregate classification (germline): Uncertain significance (1 of 4 stars; one submission).

Conditions:
Primary ciliary dyskinesia 28. Also called: CILIARY DYSKINESIA, PRIMARY, 28, WITH OR WITHOUT SITUS INVERSUS. Identifiers: Orphanet 244, MedGen C3809706, MONDO:0014216, OMIM 615505.

Submission:

Labcorp Genetics (formerly Invitae), Labcorp
Classification: Uncertain significance for Primary ciliary dyskinesia 28. Last evaluated: 2024-05-07. Review status: criteria provided, single submitter. Criteria: Invitae Variant Classification Sherloc (09022015). Collection method: clinical testing. Allele origin: germline.
Comment: This sequence change replaces tyrosine, which is neutral and polar, with serine, which is neutral and polar, at codon 870 of the SPAG1 protein (p.Tyr870Ser). This variant is not present in population databases (gnomAD no frequency). This variant has not been reported in the literature in individuals affected with SPAG1-related conditions. Advanced modeling of protein sequence and biophysical properties (such as structural, functional, and spatial information, amino acid conservation, physicochemical variation, residue mobility, and thermodynamic stability) performed at Invitae indicates that this missense variant is expected to disrupt SPAG1 protein function with a positive predictive value of 80%. In summary, the available evidence is currently insufficient to determine the role of this variant in disease. Therefore, it has been classified as a Variant of Uncertain Significance.

NM_003114.5(SPAG1):c.2609A>C (p.Tyr870Ser)

Gene: SPAG1 (sperm associated antigen 1; plus strand). Cytogenetic location: 8q22.2.
Variant type: single nucleotide variant.
Coding change: c.2609A>C on transcript NM_003114.5 (MANE Select); coding-DNA position 2609, A replaced by C.
Protein change: p.Tyr870Ser; replaces tyrosine 870 with serine.
Molecular consequence: missense variant.
Genome position (GRCh38, 1-based): chr8:100,240,731, A>C. VCF-style: chr8-100240731-A-C. GRCh37 (hg19) VCF-style: chr8-101252959-A-C.
Other names: c.2609A>C, p.Tyr870Ser (NM_001374321.1, NM_172218.3); short protein forms Y870S.
Identifiers: ClinVar variation 3652509 (VCV003652509.2).
Genomic context (GRCh38, chr8:100,240,731, plus strand): 5'-TCCTTCTCCTCATTCAGTCTCTGAAAAATAATCTTATTGAAAAAGATCCCTCATTGGTGT[A>C]TCAGCATCTTTTATACCTGAGTAAAGCAGAAAGGTTTAAGGTAAGTGGCTAAGTATTTTA-3'
Protein context (NP_003105.2, residues 860-880): NLIEKDPSLV[Tyr870Ser]QHLLYLSKAE